The following is an entry in ClinVar:

NM_000093.5(COL5A1):c.4954G>A (p.Gly1652Ser)

Genes: COL5A1 (collagen type V alpha 1 chain; plus strand), LOC101448202 (uncharacterized LOC101448202; minus strand). Cytogenetic location: 9q34.3.
Variant type: single nucleotide variant.
Coding change: c.4954G>A on transcript NM_000093.5 (MANE Select); coding-DNA position 4954, G replaced by A.
Protein change: p.Gly1652Ser; replaces glycine 1652 with serine.
Molecular consequence: missense variant.
Genome position (GRCh38, 1-based): chr9:134,824,855, G>A. VCF-style: chr9-134824855-G-A. GRCh37 (hg19) VCF-style: chr9-137716701-G-A.
Other names: c.4954G>A, p.Gly1652Ser (NM_001278074.1); short protein forms G1652S.
Identifiers: ClinVar variation 4803928 (VCV004803928.1).

ClinVar aggregate classification (germline): Uncertain significance (1 of 4 stars; one submission).

Conditions:
Ehlers-Danlos syndrome, classic type, 1 (EDSCL1). Also called: Ehlers-Danlos Syndrome, Classic Type, COL5A1-Related; EDS I; EHLERS-DANLOS SYNDROME, GRAVIS TYPE; EHLERS-DANLOS SYNDROME, SEVERE CLASSIC TYPE; Ehlers-Danlos syndrome, type 1. Identifiers: MedGen C0268335, MONDO:0019567, OMIM 130000.

gnomAD v4.1: 3 of 1,611,296 alleles (0.00019%); highest among the groups gnomAD compares: African/African-American, 0.0013%; no homozygotes.

Submission:

Labcorp Genetics (formerly Invitae), Labcorp
Classification: Uncertain significance for Ehlers-Danlos syndrome, classic type, 1. Last evaluated: 2025-12-21. Review status: criteria provided, single submitter. Criteria: Invitae Variant Classification Sherloc (09022015). Collection method: clinical testing. Allele origin: germline.
Comment: This sequence change replaces glycine, which is neutral and non-polar, with serine, which is neutral and polar, at codon 1652 of the COL5A1 protein (p.Gly1652Ser). This variant also falls at the last nucleotide of exon 62, which is part of the consensus splice site for this exon. This variant is not present in population databases (gnomAD no frequency). This missense change has been observed in individual(s) with clinical features of COL5A1-related conditions (internal data). Experimental studies and prediction algorithms are not available or were not evaluated, and the functional significance of this variant is currently unknown. Variants that disrupt the consensus splice site are a relatively common cause of aberrant splicing (PMID: 17576681, 9536098). Algorithms developed to predict the effect of sequence changes on RNA splicing suggest that this variant may disrupt the consensus splice site. In summary, the available evidence is currently insufficient to determine the role of this variant in disease. Therefore, it has been classified as a Variant of Uncertain Significance.

Literature cited by the submitters: PubMed 17576681; PubMed 9536098.